The following is an entry in ClinVar:

ClinVar aggregate classification (germline): Uncertain significance (1 of 4 stars; one submission).

Conditions:
Cardiovascular phenotype. Identifiers: MedGen CN230736.

Submission:

Ambry Genetics
Classification: Uncertain significance for Cardiovascular phenotype. Last evaluated: 2021-02-03. Review status: criteria provided, single submitter. Criteria: Ambry Variant Classification Scheme 2023. Collection method: clinical testing. Allele origin: germline.
Comment: The p.L287M variant (also known as c.859T>A), located in coding exon 7 of the TBX5 gene, results from a T to A substitution at nucleotide position 859. The leucine at codon 287 is replaced by methionine, an amino acid with highly similar properties. This amino acid position is highly conserved in available vertebrate species. In addition, this alteration is predicted to be tolerated by in silico analysis. Since supporting evidence is limited at this time, the clinical significance of this alteration remains unclear.

NM_181486.4(TBX5):c.859T>A (p.Leu287Met)

Gene: TBX5 (T-box transcription factor 5; minus strand). Cytogenetic location: 12q24.21.
Variant type: single nucleotide variant.
Coding change: c.859T>A on transcript NM_181486.4 (MANE Select); coding-DNA position 859, T replaced by A.
Protein change: p.Leu287Met; replaces leucine 287 with methionine.
Molecular consequence: missense variant.
Genome position (GRCh38, 1-based): chr12:114,366,288, A>T on the plus strand (T>A on the coding strand, the complement: TBX5 is on the minus strand). VCF-style: chr12-114366288-A-T. GRCh37 (hg19) VCF-style: chr12-114804093-A-T.
Other names: c.859T>A, p.Leu287Met (NM_000192.3); c.709T>A, p.Leu237Met (NM_080717.4); short protein forms L287M, L237M.
Identifiers: ClinVar variation 1763986 (VCV001763986.2), dbSNP rs773978838, ClinGen allele CA386926479.